The following is an entry in ClinVar:

NM_032242.4(PLXNA1):c.1357C>G (p.Arg453Gly)

Gene: PLXNA1 (plexin A1; plus strand). Cytogenetic location: 3q21.3.
Variant type: single nucleotide variant.
Coding change: c.1357C>G on transcript NM_032242.4 (MANE Select); coding-DNA position 1357, C replaced by G.
Protein change: p.Arg453Gly; replaces arginine 453 with glycine.
Molecular consequence: missense variant.
Genome position (GRCh38, 1-based): chr3:126,991,546, C>G. VCF-style: chr3-126991546-C-G. GRCh37 (hg19) VCF-style: chr3-126710389-C-G.
Other names: short protein forms R453G.
Identifiers: ClinVar variation 5002232 (VCV005002232.1).

ClinVar aggregate classification (germline): Uncertain significance (1 of 4 stars; one submission).

Conditions:
PLXNA1-related disorder. Also called: PLXNA1-related condition.

gnomAD v4.1: 3 of 1,582,692 alleles (0.00019%); highest among the groups gnomAD compares: South Asian, 0.0011%; no homozygotes.

Submission:

PreventionGenetics, part of Exact Sciences
Classification: Uncertain significance for PLXNA1-related condition. Last evaluated: 2026-08-05. Review status: criteria provided, single submitter. Criteria: ACMG Guidelines, 2015. Collection method: clinical testing. Allele origin: germline.
Comment: The PLXNA1 c.1357C>G variant is predicted to result in the amino acid substitution p.Arg453Gly. To our knowledge, this variant has not been reported in the literature or in a large population database (gnomAD), indicating this variant is rare. At this time, the clinical significance of this variant is uncertain due to the absence of conclusive functional and genetic evidence.